The following is an entry in ClinVar:

NM_177438.3(DICER1):c.3822G>C (p.Arg1274Ser)

Gene: DICER1 (dicer 1, ribonuclease III; minus strand). Cytogenetic location: 14q32.13.
Variant type: single nucleotide variant.
Coding change: c.3822G>C on transcript NM_177438.3 (MANE Select); coding-DNA position 3822, G replaced by C.
Protein change: p.Arg1274Ser; replaces arginine 1274 with serine.
Molecular consequence: missense variant.
Genome position (GRCh38, 1-based): chr14:95,103,574, C>G on the plus strand (G>C on the coding strand, the complement: DICER1 is on the minus strand). VCF-style: chr14-95103574-C-G. GRCh37 (hg19) VCF-style: chr14-95569911-C-G.
Other names: c.3822G>C, p.Arg1274Ser (NM_001195573.1, NM_001271282.3, NM_001291628.2 and 1 more transcripts); short protein forms R1274S.
Identifiers: ClinVar variation 1373975 (VCV001373975.7), dbSNP rs1891096853, ClinGen allele CA390873375.

ClinVar aggregate classification (germline): Uncertain significance (1 of 4 stars; one submission).

Conditions:
DICER1-related tumor predisposition. Also called: DICER1-related pleuropulmonary blastoma cancer predisposition syndrome; DICER1 syndrome. Identifiers: Orphanet 284343, MedGen C3839822, MONDO:0100216.

Submission:

Labcorp Genetics (formerly Invitae), Labcorp
Classification: Uncertain significance for DICER1-related tumor predisposition. Last evaluated: 2025-07-07. Review status: criteria provided, single submitter. Criteria: Invitae Variant Classification Sherloc (09022015). Collection method: clinical testing. Allele origin: germline.
Comment: This sequence change replaces arginine, which is basic and polar, with serine, which is neutral and polar, at codon 1274 of the DICER1 protein (p.Arg1274Ser). This variant is not present in population databases (gnomAD no frequency). This variant has not been reported in the literature in individuals affected with DICER1-related conditions. ClinVar contains an entry for this variant (Variation ID: 1373975). Invitae Evidence Modeling of protein sequence and biophysical properties (such as structural, functional, and spatial information, amino acid conservation, physicochemical variation, residue mobility, and thermodynamic stability) indicates that this missense variant is not expected to disrupt DICER1 protein function with a negative predictive value of 95%. In summary, the available evidence is currently insufficient to determine the role of this variant in disease. Therefore, it has been classified as a Variant of Uncertain Significance.